The following is an entry in ClinVar:

NM_170682.4(P2RX2):c.73C>G (p.Leu25Val)

Gene: P2RX2 (purinergic receptor P2X 2; plus strand). Cytogenetic location: 12q24.33.
Variant type: single nucleotide variant.
Coding change: c.73C>G on transcript NM_170682.4 (MANE Select); coding-DNA position 73, C replaced by G.
Protein change: p.Leu25Val; replaces leucine 25 with valine.
Molecular consequence: missense variant.
Genome position (GRCh38, 1-based): chr12:132,618,889, C>G. VCF-style: chr12-132618889-C-G. GRCh37 (hg19) VCF-style: chr12-133195475-C-G.
Other names: c.73C>G, p.Leu25Val (NM_001282164.2, NM_001282165.2, NM_012226.5 and 4 more transcripts); short protein forms L25V.
Identifiers: ClinVar variation 4882750 (VCV004882750.2).
Genomic context (GRCh38, chr12:132,618,889, plus strand): 5'-CAGCCCAAGTACCCCGCCGGGGCGACCGCCCGGCGCCTGGCCCGGGGCTGCTGGTCCGCC[C>G]TCTGGGACTACGAGACGCCCAAGGTGATCGTGGTGAGGAACCGGCGCCTGGGGGTCCTGT-3'
Protein context (NP_733782.1, residues 15-35): RRLARGCWSA[Leu25Val]WDYETPKVIV

ClinVar aggregate classification (germline): Uncertain significance (1 of 4 stars; one submission).

Submission:

Dasa
Classification: Uncertain significance. Last evaluated: 2025-02-07. Review status: criteria provided, single submitter. Criteria: DASA Assertion Criteria. Collection method: clinical testing. Allele origin: germline.
Comment: NM_170682.4(P2RX2):c.73C>G (p.Leu25Val) is a missense variant that results in the substitution of leucine with valine. This variant is absent from population databases. Computational prediction algorithms are consistent with a benign effect. The currently available literature and clinical evidence are not sufficient to establish a definitive association between this variant and the reported condition. Therefore, this variant is classified as a variant of uncertain significance.